The following is an entry in ClinVar:

NM_007294.4(BRCA1):c.3966del (p.Lys1322fs)

Genes: BRCA1 (BRCA1 DNA repair associated; minus strand), LOC126862571 (BRD4-independent group 4 enhancer GRCh37_chr17:41243136-41244335; plus strand). Cytogenetic location: 17q21.31.
Variant type: Deletion.
Coding change: c.3966del on transcript NM_007294.4 (MANE Select); coding-DNA position 3966, one base deleted (A; older notation c.3966delA).
Protein change: p.Lys1322fs; shifts the reading frame from lysine 1322.
Molecular consequence: frameshift variant. On other transcripts: intron variant (135).
Genome position (GRCh38, 1-based): chr17:43,091,565, T deleted on the plus strand (A on the coding strand, the reverse complement: BRCA1 is on the minus strand); the first of 3 consecutive T bases (chr17:43,091,565-43,091,567); deleting any one gives the same sequence. VCF-style (leftmost placement, unchanged base first): chr17-43091564-GT-G. GRCh37 (hg19) VCF-style: chr17-41243581-GT-G.
Other names: 4085delA; c.521-533del (NM_001408505.1, NM_001408504.1, NM_001408503.1); c.461-533del (NM_001408507.1, NM_001408506.1); c.545-533del (NM_001408495.1); c.662-533del (NM_001408448.1, NM_001408445.1, NM_001408432.1 and 6 more transcripts); c.668-533del (NM_001408421.1, NM_001408431.1, NM_001408424.1); c.785-533del (NM_001407991.1, NM_001408407.1, NM_001408402.1 and 13 more transcripts); c.665-533del (NM_001408427.1, NM_001408443.1, NM_001408439.1 and 12 more transcripts); and 43 more; short protein forms K1275fs, K1322fs, K1154fs, K1251fs, K1252fs, K1274fs, K1280fs, K1296fs.
Identifiers: ClinVar variation 55061 (VCV000055061.6), dbSNP rs80357979, ClinGen allele CA002541.

ClinVar aggregate classification (germline): Pathogenic. Review status: reviewed by expert panel (3 of 4 stars). 5 submissions from 5 submitters: Pathogenic (1). 4 of the submissions do not count toward it. Last evaluated 2016-09-08.

Conditions:
Breast-ovarian cancer, familial, susceptibility to, 1 (BROVCA1). Also called: BRCA1 Hereditary Breast and Ovarian Cancer; OVARIAN CANCER, SUSCEPTIBILITY TO. Identifiers: Orphanet 145, MedGen C2676676, MONDO:0011450, OMIM 604370. Disease mechanism: loss of function.
Hereditary breast ovarian cancer syndrome. Also called: BRCA1- and BRCA2-Associated Hereditary Breast and Ovarian Cancer; Hereditary breast and ovarian cancer syndrome; Hereditary breast and ovarian cancer syndrome (HBOC); Breast and ovarian cancer; Hereditary breast and/or ovarian cancer syndrome; Hereditary breast and ovarian cancer. Identifiers: Orphanet 145, MedGen C0677776, MeSH D061325, MONDO:0003582. Disease mechanism: loss of function.

Submissions (5):

Evidence-based Network for the Interpretation of Germline Mutant Alleles (ENIGMA)
Classification: Pathogenic for Breast-ovarian cancer, familial, susceptibility to, 1. Last evaluated: 2016-09-08. Review status: reviewed by expert panel. Criteria: ENIGMA BRCA1/2 Classification Criteria (2015). Collection method: curation. Allele origin: germline.
Comment: Variant allele predicted to encode a truncated non-functional protein.

Labcorp Genetics (formerly Invitae), Labcorp
Classification: Pathogenic for Hereditary breast ovarian cancer syndrome. Last evaluated: 2024-08-14. Review status: criteria provided, single submitter. Criteria: Invitae Variant Classification Sherloc (09022015). Collection method: clinical testing. Allele origin: germline. Not counted in ClinVar's aggregate classification.
Comment: This sequence change creates a premature translational stop signal (p.Lys1322Asnfs*3) in the BRCA1 gene. It is expected to result in an absent or disrupted protein product. Loss-of-function variants in BRCA1 are known to be pathogenic (PMID: 20104584). This variant is not present in population databases (gnomAD no frequency). This premature translational stop signal has been observed in individual(s) with clinical features of hereditary breast and ovarian cancer syndrome (PMID: 29339979). ClinVar contains an entry for this variant (Variation ID: 55061). Algorithms developed to predict the effect of sequence changes on RNA splicing suggest that this variant may disrupt the consensus splice site. For these reasons, this variant has been classified as Pathogenic.

Department of Medical Genetics, Oslo University Hospital
Classification: Pathogenic for Breast-ovarian cancer, familial, susceptibility to, 1. Last evaluated: 2015-10-15. Review status: criteria provided, single submitter. Criteria: ACMG Guidelines, 2015. Collection method: clinical testing. Allele origin: germline. Affected: yes. Observed: 15 variant alleles. Not counted in ClinVar's aggregate classification.

Research Molecular Genetics Laboratory, Women's College Hospital, University of Toronto
Classification: Pathogenic for Hereditary breast ovarian cancer syndrome. Last evaluated: 2014-01-31. Review status: no assertion criteria provided. Collection method: research. Allele origin: germline. Affected: yes. Study: The Canadian Open Genetics Repository (COGR). Not counted in ClinVar's aggregate classification.

Breast Cancer Information Core (BIC) (BRCA1)
Classification: Pathogenic for Breast-ovarian cancer, familial 1. Last evaluated: 2002-04-22. Review status: no assertion criteria provided. Collection method: clinical testing. Allele origin: germline. Affected: yes. Observed: 1 variant allele. Not counted in ClinVar's aggregate classification.

Literature cited by the submitters: PubMed 20104584 (cited by Labcorp Genetics (formerly Invitae), Labcorp); PubMed 29339979 (cited by Labcorp Genetics (formerly Invitae), Labcorp).